The following is an entry in ClinVar:

ClinVar aggregate classification (germline): Conflicting classifications of pathogenicity. Review status: criteria provided, conflicting classifications (1 of 4 stars). 2 submissions from 2 submitters: Uncertain significance (1); Likely benign (1). Last evaluated 2025-06-29.

Conditions:
Autosomal dominant nocturnal frontal lobe epilepsy 5. Also called: CILIARY DYSKINESIA, PRIMARY, 28, WITHOUT SITUS INVERSUS; CILIARY DYSKINESIA, PRIMARY, 28, WITH SITUS INVERSUS; Epilepsy, nocturnal frontal lobe, 5; KCNT1-Related Epilepsy. Identifiers: Orphanet 98784, MedGen C3554306, MONDO:0014002, OMIM 615005.
Developmental and epileptic encephalopathy, 14 (DEE14). Also called: Early infantile epileptic encephalopathy 14. Identifiers: Orphanet 293181, MedGen C3554195, MONDO:0013989, OMIM 614959.

Allele frequency attached by ClinVar (database versions not stated): gnomAD 0.00001; gnomAD exomes 0.00001; ExAC 0.00001.
gnomAD v4.1: 9 of 1,605,192 alleles (0.00056%); highest among the groups gnomAD compares: Admixed American, 0.0033%; no homozygotes.

Submissions (2):

Labcorp Genetics (formerly Invitae), Labcorp
Classification: Likely benign for Autosomal dominant nocturnal frontal lobe epilepsy 5; Developmental and epileptic encephalopathy, 14. Last evaluated: 2025-06-29. Review status: criteria provided, single submitter. Criteria: Invitae Variant Classification Sherloc (09022015). Collection method: clinical testing. Allele origin: germline.

Laboratorio de Genetica e Diagnostico Molecular, Hospital Israelita Albert Einstein
Classification: Uncertain significance. Last evaluated: 2020-02-13. Review status: criteria provided, single submitter. Criteria: ACMG Guidelines, 2015. Collection method: clinical testing. Allele origin: germline. Affected: yes.
Comment: ACMG classification criteria: PM2, BP4

NM_020822.3(KCNT1):c.601-4C>G

Gene: KCNT1 (potassium sodium-activated channel subfamily T member 1; plus strand). Cytogenetic location: 9q34.3.
Variant type: single nucleotide variant.
Coding change: c.601-4C>G on transcript NM_020822.3 (MANE Select); 4 bases into the intron before coding-DNA position 601, C replaced by G.
Molecular consequence: intron variant.
Genome position (GRCh38, 1-based): chr9:135,757,152, C>G. VCF-style: chr9-135757152-C-G. GRCh37 (hg19) VCF-style: chr9-138648998-C-G.
Other names: c.457-4C>G (NM_001272003.2).
Identifiers: ClinVar variation 1690803 (VCV001690803.7), dbSNP rs752516170, ClinGen allele CA5326571.